The following is an entry in ClinVar:

ClinVar aggregate classification (germline): Uncertain significance. Review status: criteria provided, multiple submitters, no conflicts (2 of 4 stars). 2 submissions from 2 submitters: Uncertain significance (2). Last evaluated 2024-05-26.

Conditions:
Cardiovascular phenotype. Identifiers: MedGen CN230736.

Allele frequency attached by ClinVar (database versions not stated): gnomAD 0.00001; TOPMed 0.00002.
gnomAD v4.1: 15 of 1,497,326 alleles (0.001%); highest among the groups gnomAD compares: Admixed American, 0.0064%; no homozygotes.

Submissions (2):

Labcorp Genetics (formerly Invitae), Labcorp
Classification: Uncertain significance. Last evaluated: 2024-05-26. Review status: criteria provided, single submitter. Criteria: Invitae Variant Classification Sherloc (09022015). Collection method: clinical testing. Allele origin: germline.
Comment: This sequence change replaces lysine, which is basic and polar, with glutamine, which is neutral and polar, at codon 1058 of the ZNF469 protein (p.Lys1058Gln). The frequency data for this variant in the population databases is considered unreliable, as metrics indicate poor data quality at this position in the gnomAD database. This variant has not been reported in the literature in individuals affected with ZNF469-related conditions. ClinVar contains an entry for this variant (Variation ID: 1728447). An algorithm developed to predict the effect of missense changes on protein structure and function (PolyPhen-2) suggests that this variant¬†is likely to be tolerated. In summary, the available evidence is currently insufficient to determine the role of this variant in disease. Therefore, it has been classified as a Variant of Uncertain Significance.

Ambry Genetics
Classification: Uncertain significance for Cardiovascular phenotype. Last evaluated: 2022-02-07. Review status: criteria provided, single submitter. Criteria: Ambry Variant Classification Scheme 2023. Collection method: clinical testing. Allele origin: germline.
Comment: The p.K1058Q variant (also known as c.3172A>C), located in coding exon 1 of the ZNF469 gene, results from an A to C substitution at nucleotide position 3172. The lysine at codon 1058 is replaced by glutamine, an amino acid with similar properties. This amino acid position is conserved. In addition, this alteration is predicted to be tolerated by in silico analysis. Since supporting evidence is limited at this time, the clinical significance of this alteration remains unclear.

NM_001367624.2(ZNF469):c.3172A>C (p.Lys1058Gln)

Genes: ZNF469 (zinc finger protein 469; plus strand), LOC130059718 (ATAC-STARR-seq lymphoblastoid silent region 7847; plus strand). Cytogenetic location: 16q24.2.
Variant type: single nucleotide variant.
Coding change: c.3172A>C on transcript NM_001367624.2 (MANE Select); coding-DNA position 3172, A replaced by C.
Protein change: p.Lys1058Gln; replaces lysine 1058 with glutamine.
Molecular consequence: missense variant.
Genome position (GRCh38, 1-based): chr16:88,430,642, A>C. VCF-style: chr16-88430642-A-C. GRCh37 (hg19) VCF-style: chr16-88497050-A-C.
Other names: NM_001127464.1:c.3172A>C; short protein forms K1058Q.
Identifiers: ClinVar variation 1728447 (VCV001728447.3), dbSNP rs981505457, ClinGen allele CA286374531.